The following is an entry in ClinVar:

NM_005188.4(CBL):c.493C>G (p.Leu165Val)

Gene: CBL (Cbl proto-oncogene; plus strand). Cytogenetic location: 11q23.3.
Variant type: single nucleotide variant.
Coding change: c.493C>G on transcript NM_005188.4 (MANE Select); coding-DNA position 493, C replaced by G.
Protein change: p.Leu165Val; replaces leucine 165 with valine.
Molecular consequence: missense variant.
Genome position (GRCh38, 1-based): chr11:119,271,784, C>G. VCF-style: chr11-119271784-C-G. GRCh37 (hg19) VCF-style: chr11-119142494-C-G.
Other names: c.493C>G (NM_005188.2); short protein forms L165V.
Identifiers: ClinVar variation 477713 (VCV000477713.10), dbSNP rs1555229540, ClinGen allele CA382907266.

ClinVar aggregate classification (germline): Uncertain significance. Review status: criteria provided, multiple submitters, no conflicts (2 of 4 stars). 2 submissions from 2 submitters: Uncertain significance (2). Last evaluated 2025-12-14.

Conditions:
Cardiovascular phenotype. Identifiers: MedGen CN230736.
RASopathy. Also called: rasopathies; Noonan spectrum disorder. Identifiers: Orphanet 536391, MedGen C5555857, MONDO:0021060.

Allele frequency attached by ClinVar (database versions not stated): gnomAD exomes 0.00001; TOPMed 0.00001.
gnomAD v4.1: 3 of 1,613,908 alleles (0.00019%); highest among the groups gnomAD compares: Non-Finnish European, 0.00025%; no homozygotes.

Submissions (2):

Labcorp Genetics (formerly Invitae), Labcorp
Classification: Uncertain significance for RASopathy. Last evaluated: 2025-12-14. Review status: criteria provided, single submitter. Criteria: Invitae Variant Classification Sherloc (09022015). Collection method: clinical testing. Allele origin: germline.
Comment: This sequence change replaces leucine, which is neutral and non-polar, with valine, which is neutral and non-polar, at codon 165 of the CBL protein (p.Leu165Val). This variant is not present in population databases (gnomAD no frequency). This variant has not been reported in the literature in individuals affected with CBL-related conditions. ClinVar contains an entry for this variant (Variation ID: 477713). Invitae Evidence Modeling of protein sequence and biophysical properties (such as structural, functional, and spatial information, amino acid conservation, physicochemical variation, residue mobility, and thermodynamic stability) indicates that this missense variant is not expected to disrupt CBL protein function with a negative predictive value of 95%. In summary, the available evidence is currently insufficient to determine the role of this variant in disease. Therefore, it has been classified as a Variant of Uncertain Significance.

Ambry Genetics
Classification: Uncertain significance for Cardiovascular phenotype. Last evaluated: 2023-07-05. Review status: criteria provided, single submitter. Criteria: Ambry Variant Classification Scheme 2023. Collection method: clinical testing. Allele origin: germline.
Comment: The p.L165V variant (also known as c.493C>G), located in coding exon 3 of the CBL gene, results from a C to G substitution at nucleotide position 493. The leucine at codon 165 is replaced by valine, an amino acid with highly similar properties. This amino acid position is conserved. In addition, this alteration is predicted to be deleterious by in silico analysis. Since supporting evidence is limited at this time, the clinical significance of this alteration remains unclear.